The following is an entry in ClinVar:

ClinVar aggregate classification (germline): Pathogenic. Review status: criteria provided, multiple submitters, no conflicts (2 of 4 stars). 7 submissions from 7 submitters: Pathogenic (5). 2 of the submissions do not count toward it. Last evaluated 2025-03-10.

Conditions:
Glycogen storage disease type III (GSD3). Also called: FORBES DISEASE; Cori disease. Identifiers: Orphanet 366, MedGen C0017922, MONDO:0009291, OMIM 232400.

gnomAD v4.1: 18 of 1,613,306 alleles (0.0011%); highest among the groups gnomAD compares: Non-Finnish European, 0.0014%; no homozygotes.

Submissions (7):

Natera, Inc.
Classification: Pathogenic for Glycogen storage disease type III. Last evaluated: 2025-03-10. Review status: criteria provided, single submitter. Criteria: Natera Variant Classification Schema (03/2026). Collection method: clinical testing. Allele origin: germline.
Comment: The c.3613C>T variant in AGL is a nonsense variant predicted to introduce a stop codon at amino acid 1205. This variant is expected to result in nonsense mediated decay, truncation, or a dysfunctional protein product. This variant is rare in the general population with a frequency below the threshold expected for the associated phenotype(s). This variant has been observed in one or more individuals affected with the associated recessive disease, as either homozygous or compound heterozygous with a second variant (PMID: 19834502). Given the available evidence, this variant is classified as Pathogenic.

Baylor Genetics
Classification: Pathogenic for Glycogen storage disease type III. Last evaluated: 2023-11-08. Review status: criteria provided, single submitter. Criteria: ACMG Guidelines, 2015. Collection method: clinical testing. Allele origin: unknown.

Labcorp Genetics (formerly Invitae), Labcorp
Classification: Pathogenic for Glycogen storage disease type III. Last evaluated: 2023-02-01. Review status: criteria provided, single submitter. Criteria: Invitae Variant Classification Sherloc (09022015). Collection method: clinical testing. Allele origin: germline.
Comment: This variant is present in population databases (rs775498547, gnomAD 0.005%). This premature translational stop signal has been observed in individual(s) with glycogen storage disease (PMID: 19834502). ClinVar contains an entry for this variant (Variation ID: 557206). Algorithms developed to predict the effect of sequence changes on RNA splicing suggest that this variant may disrupt the consensus splice site. For these reasons, this variant has been classified as Pathogenic. This sequence change creates a premature translational stop signal (p.Gln1205*) in the AGL gene. It is expected to result in an absent or disrupted protein product. Loss-of-function variants in AGL are known to be pathogenic (PMID: 19299494).

Fulgent Genetics
Classification: Pathogenic for Glycogen storage disease type III. Last evaluated: 2022-01-11. Review status: criteria provided, single submitter. Criteria: ACMG Guidelines, 2015. Collection method: clinical testing. Allele origin: unknown.

Genome-Nilou Lab
Classification: Pathogenic for Glycogen storage disease type III. Last evaluated: 2021-07-15. Review status: criteria provided, single submitter. Criteria: ACMG Guidelines, 2015. Collection method: clinical testing. Allele origin: germline. Affected: no.

Counsyl
Classification: Likely pathogenic for Glycogen storage disease type III. Last evaluated: 2018-03-12. Review status: no assertion criteria provided. Collection method: clinical testing. Allele origin: unknown. Not counted in ClinVar's aggregate classification.

Mayo Clinic Laboratories, Mayo Clinic
Classification: Likely pathogenic. Last evaluated: 2017-03-23. Review status: no assertion criteria provided. Collection method: clinical testing. Allele origin: unknown. Not counted in ClinVar's aggregate classification.

Literature cited by the submitters: PubMed 19834502 (cited by 3 submitters); PubMed 19299494 (cited by Labcorp Genetics (formerly Invitae), Labcorp).

NM_000642.3(AGL):c.3613C>T (p.Gln1205Ter)

Gene: AGL (amylo-alpha-1,6-glucosidase and 4-alpha-glucanotransferase; plus strand). Cytogenetic location: 1p21.2.
Variant type: single nucleotide variant.
Coding change: c.3613C>T on transcript NM_000642.3 (MANE Select); coding-DNA position 3613, C replaced by T.
Protein change: p.Gln1205Ter; replaces glutamine 1205 with a stop codon.
Molecular consequence: nonsense.
Genome position (GRCh38, 1-based): chr1:99,902,707, C>T. VCF-style: chr1-99902707-C-T. GRCh37 (hg19) VCF-style: chr1-100368263-C-T.
Other names: c.3613C>T, p.Gln1205Ter (NM_000028.3, NM_000643.3, NM_000644.3 and 1 more transcripts); c.3565C>T, p.Gln1189Ter (NM_000646.3); c.3592C>T, p.Gln1198Ter (NM_001425326.1); c.3412C>T, p.Gln1138Ter (NM_001425327.1); c.3409C>T, p.Gln1137Ter (NM_001425328.1); c.3274C>T, p.Gln1092Ter (NM_001425329.1); c.3235C>T, p.Gln1079Ter (NM_001425332.1); short protein forms Q1205*, Q1189*, Q1079*, Q1092*, Q1137*, Q1138*, Q1198*.
Identifiers: ClinVar variation 557206 (VCV000557206.16), dbSNP rs775498547, ClinGen allele CA967158.
Genomic context (GRCh38, chr1:99,902,707, plus strand): 5'-TTCTAACAGAGGTAACACCCATTATGTCTCAAACAGGATCAGCCATTGTTTGAAGTCATA[C>T]AGGAAGCAATGCAAAAACACATGCAGGGCATACAGTTCCGAGAAAGGAATGCTGGTCCCC-3'